The following is an entry in ClinVar:

ClinVar aggregate classification (germline): Uncertain significance (1 of 4 stars; one submission).

Conditions:
Renal cell carcinoma. Identifiers: Orphanet 217071, MedGen C0007134, MeSH D002292, MONDO:0005086, HP:0005584.

gnomAD v4.1: 1 of 1,613,872 alleles (0.000062%); highest among the groups gnomAD compares: Non-Finnish European, 0.000085%; no homozygotes.

Submission:

Labcorp Genetics (formerly Invitae), Labcorp
Classification: Uncertain significance for Renal cell carcinoma. Last evaluated: 2023-10-28. Review status: criteria provided, single submitter. Criteria: Invitae Variant Classification Sherloc (09022015). Collection method: clinical testing. Allele origin: germline.
Comment: This sequence change replaces alanine, which is neutral and non-polar, with proline, which is neutral and non-polar, at codon 954 of the MET protein (p.Ala954Pro). This variant is not present in population databases (gnomAD no frequency). This variant has not been reported in the literature in individuals affected with MET-related conditions. Advanced modeling of protein sequence and biophysical properties (such as structural, functional, and spatial information, amino acid conservation, physicochemical variation, residue mobility, and thermodynamic stability) has been performed at Invitae for this missense variant, however the output from this modeling did not meet the statistical confidence thresholds required to predict the impact of this variant on MET protein function. In summary, the available evidence is currently insufficient to determine the role of this variant in disease. Therefore, it has been classified as a Variant of Uncertain Significance.

NM_000245.4(MET):c.2806G>C (p.Ala936Pro)

Gene: MET (MET proto-oncogene, receptor tyrosine kinase; plus strand). Cytogenetic location: 7q31.2.
Variant type: single nucleotide variant.
Coding change: c.2806G>C on transcript NM_000245.4 (MANE Select); coding-DNA position 2806, G replaced by C.
Protein change: p.Ala936Pro; replaces alanine 936 with proline.
Molecular consequence: missense variant.
Genome position (GRCh38, 1-based): chr7:116,771,573, G>C. VCF-style: chr7-116771573-G-C. GRCh37 (hg19) VCF-style: chr7-116411627-G-C.
Other names: c.2860G>C, p.Ala954Pro (NM_001127500.3); c.1516G>C, p.Ala506Pro (NM_001324402.2); short protein forms A936P, A954P, A506P.
Identifiers: ClinVar variation 2772248 (VCV002772248.3), dbSNP rs1794834628, ClinGen allele CA368986547.